The following is an entry in ClinVar:

NM_024642.5(GALNT12):c.227G>C (p.Gly76Ala)

Gene: GALNT12 (polypeptide N-acetylgalactosaminyltransferase 12; plus strand). Cytogenetic location: 9q22.33.
Variant type: single nucleotide variant.
Coding change: c.227G>C on transcript NM_024642.5 (MANE Select); coding-DNA position 227, G replaced by C.
Protein change: p.Gly76Ala; replaces glycine 76 with alanine.
Molecular consequence: missense variant.
Genome position (GRCh38, 1-based): chr9:98,807,925, G>C. VCF-style: chr9-98807925-G-C. GRCh37 (hg19) VCF-style: chr9-101570207-G-C.
Other names: short protein forms G76A.
Identifiers: ClinVar variation 4831858 (VCV004831858.1).

ClinVar aggregate classification (germline): Uncertain significance (1 of 4 stars; one submission).

gnomAD v4.1: 3 of 1,248,044 alleles (0.00024%); highest among the groups gnomAD compares: East Asian, 0.0097%; 1 homozygote.

Submission:

Ambry Genetics
Classification: Uncertain significance. Last evaluated: 2026-03-11. Review status: criteria provided, single submitter. Criteria: Ambry Variant Classification Scheme 2023. Collection method: clinical testing. Allele origin: germline.
Comment: The p.G76A variant (also known as c.227G>C), located in coding exon 1 of the GALNT12 gene, results from a G to C substitution at nucleotide position 227. The glycine at codon 76 is replaced by alanine, an amino acid with similar properties. This amino acid position is conserved. In addition, this alteration is predicted to be tolerated by in silico analysis. Based on the available evidence, the clinical significance of this variant remains unclear.